The following is an entry in ClinVar:

ClinVar aggregate classification (germline): Uncertain significance. Review status: criteria provided, multiple submitters, no conflicts (2 of 4 stars). 2 submissions from 2 submitters: Uncertain significance (2). Last evaluated 2025-09-09.

Allele frequency attached by ClinVar (database versions not stated): TOPMed 0.00002; gnomAD 0.00003 and 0.00004; gnomAD exomes 0.00007 and 0.00009; ExAC 0.00018.
gnomAD v4.1: 133 of 1,606,516 alleles (0.0083%); highest among the groups gnomAD compares: Non-Finnish European, 0.011%; no homozygotes.

Submissions (2):

Labcorp Genetics (formerly Invitae), Labcorp
Classification: Uncertain significance. Last evaluated: 2025-09-09. Review status: criteria provided, single submitter. Criteria: Invitae Variant Classification Sherloc (09022015). Collection method: clinical testing. Allele origin: germline.
Comment: This sequence change replaces serine, which is neutral and polar, with phenylalanine, which is neutral and non-polar, at codon 41 of the RNF31 protein (p.Ser41Phe). This variant is present in population databases (rs766282567, gnomAD 0.01%). This variant has not been reported in the literature in individuals affected with RNF31-related conditions. ClinVar contains an entry for this variant (Variation ID: 1347879). An algorithm developed to predict the effect of missense changes on protein structure and function (PolyPhen-2) suggests that this variant is likely to be disruptive. In summary, the available evidence is currently insufficient to determine the role of this variant in disease. Therefore, it has been classified as a Variant of Uncertain Significance.

Ambry Genetics
Classification: Uncertain significance. Last evaluated: 2025-03-06. Review status: criteria provided, single submitter. Criteria: Ambry Variant Classification Scheme 2023. Collection method: clinical testing. Allele origin: germline.

NM_017999.5(RNF31):c.122C>T (p.Ser41Phe)

Gene: RNF31 (ring finger protein 31; plus strand). Cytogenetic location: 14q12.
Variant type: single nucleotide variant.
Coding change: c.122C>T on transcript NM_017999.5 (MANE Select); coding-DNA position 122, C replaced by T.
Protein change: p.Ser41Phe; replaces serine 41 with phenylalanine.
Molecular consequence: missense variant. On other transcripts: intron variant (1).
Genome position (GRCh38, 1-based): chr14:24,147,820, C>T. VCF-style: chr14-24147820-C-T. GRCh37 (hg19) VCF-style: chr14-24617029-C-T.
Other names: c.-325-156C>T (NM_001310332.2); c.122C>T (NM_017999.4); short protein forms S41F.
Identifiers: ClinVar variation 1347879 (VCV001347879.9), dbSNP rs766282567, ClinGen allele CA7125365.
Genomic context (GRCh38, chr14:24,147,820, plus strand): 5'-TGAGGAGGGATTCCGGGCAGGCGTTTTCCCTGGAGCAGCTCCGGCCGCTACTAGCCAGCT[C>T]TCTGCCGCTAGCCGCCCGCTACCTGCAGCTGGACGCCGCACGCCTTGTCCGCTGCAACGC-3'
Protein context (NP_060469.4, residues 31-51): LEQLRPLLAS[Ser41Phe]LPLAARYLQL